The following is an entry in ClinVar:

ClinVar aggregate classification (germline): Uncertain significance (1 of 4 stars; one submission).

Conditions:
Emery-Dreifuss muscular dystrophy 4, autosomal dominant (EDMD4). Also called: EMERY-DREIFUSS MUSCULAR DYSTROPHY 4 WITH VARIABLE FEATURES. Identifiers: Orphanet 261, MedGen C2751807, MONDO:0013071, OMIM 612998.
Autosomal recessive ataxia, Beauce type. Also called: SYNE1 Deficiency; Spinocerebellar ataxia, autosomal recessive 8; ATAXIA, RECESSIVE, OF BEAUCE; SYNE1-Related Autosomal Recessive Cerebellar Ataxia. Identifiers: Orphanet 88644, MedGen C1853116, MONDO:0012549, OMIM 610743.

Submission:

Labcorp Genetics (formerly Invitae), Labcorp
Classification: Uncertain significance for Emery-Dreifuss muscular dystrophy 4, autosomal dominant; Autosomal recessive ataxia, Beauce type. Last evaluated: 2022-03-18. Review status: criteria provided, single submitter. Criteria: Invitae Variant Classification Sherloc (09022015). Collection method: clinical testing. Allele origin: germline.
Comment: In summary, the available evidence is currently insufficient to determine the role of this variant in disease. Therefore, it has been classified as a Variant of Uncertain Significance. Algorithms developed to predict the effect of missense changes on protein structure and function output the following: SIFT: "Tolerated"; PolyPhen-2: "Benign"; Align-GVGD: "Class C15". The isoleucine amino acid residue is found in multiple mammalian species, which suggests that this missense change does not adversely affect protein function. This variant has not been reported in the literature in individuals affected with SYNE1-related conditions. This variant is not present in population databases (gnomAD no frequency). This sequence change replaces threonine, which is neutral and polar, with isoleucine, which is neutral and non-polar, at codon 3623 of the SYNE1 protein (p.Thr3623Ile).

NM_182961.4(SYNE1):c.10847C>T (p.Thr3616Ile)

Gene: SYNE1 (spectrin repeat containing nuclear envelope protein 1; minus strand). Cytogenetic location: 6q25.2.
Variant type: single nucleotide variant.
Coding change: c.10847C>T on transcript NM_182961.4 (MANE Select); coding-DNA position 10847, C replaced by T.
Protein change: p.Thr3616Ile; replaces threonine 3616 with isoleucine.
Molecular consequence: missense variant.
Genome position (GRCh38, 1-based): chr6:152,354,738, G>A on the plus strand (C>T on the coding strand, the complement: SYNE1 is on the minus strand). VCF-style: chr6-152354738-G-A. GRCh37 (hg19) VCF-style: chr6-152675873-G-A.
Other names: c.10868C>T, p.Thr3623Ile (NM_033071.5); short protein forms T3623I, T3616I.
Identifiers: ClinVar variation 2113452 (VCV002113452.4), dbSNP rs2096804211, ClinGen allele CA366125129.
Genomic context (GRCh38, chr6:152,354,738, plus strand): 5'-ATCTCCTTGGTTGCCCTGTTAGACTGACGTCTGGTCCTGGGACTAACTTTCTCCTCTGCT[G>A]TTTTGAGCCATTCATCTACTTGCTGAAACTTTTGCTCCATTAGCCTCAATTTGTTCACCA-3'
Protein context (NP_892006.3, residues 3606-3626): KFQQVDEWLK[Thr3616Ile]AEEKVSPRTR